The following is an entry in ClinVar:

ClinVar aggregate classification (germline): Uncertain significance (1 of 4 stars; one submission).

Allele frequency attached by ClinVar (database versions not stated): TOPMed 0.00002; gnomAD 0.00003; ESP Exome Variant Server 0.00008; gnomAD exomes 0.00003; ExAC 0.00009.
gnomAD v4.1: 41 of 1,611,548 alleles (0.0025%); highest among the groups gnomAD compares: Non-Finnish European, 0.0034%; no homozygotes.

Submission:

Labcorp Genetics (formerly Invitae), Labcorp
Classification: Uncertain significance. Last evaluated: 2025-08-11. Review status: criteria provided, single submitter. Criteria: Invitae Variant Classification Sherloc (09022015). Collection method: clinical testing. Allele origin: germline.
Comment: This sequence change replaces arginine, which is basic and polar, with cysteine, which is neutral and slightly polar, at codon 176 of the IL6ST protein (p.Arg176Cys). This variant is present in population databases (rs146382783, gnomAD 0.01%). This variant has not been reported in the literature in individuals affected with IL6ST-related conditions. ClinVar contains an entry for this variant (Variation ID: 2723142). An algorithm developed to predict the effect of missense changes on protein structure and function (PolyPhen-2) suggests that this variant is likely to be tolerated. In summary, the available evidence is currently insufficient to determine the role of this variant in disease. Therefore, it has been classified as a Variant of Uncertain Significance.

NM_002184.4(IL6ST):c.526C>T (p.Arg176Cys)

Gene: IL6ST (interleukin 6 cytokine family signal transducer; minus strand). Cytogenetic location: 5q11.2.
Variant type: single nucleotide variant.
Coding change: c.526C>T on transcript NM_002184.4 (MANE Select); coding-DNA position 526, C replaced by T.
Protein change: p.Arg176Cys; replaces arginine 176 with cysteine.
Molecular consequence: missense variant. On other transcripts: 5 prime UTR variant (3), non-coding transcript variant (2).
Genome position (GRCh38, 1-based): chr5:55,964,278, G>A on the plus strand (C>T on the coding strand, the complement: IL6ST is on the minus strand). VCF-style: chr5-55964278-G-A. GRCh37 (hg19) VCF-style: chr5-55260106-G-A.
Other names: c.526C>T, p.Arg176Cys (NM_001190981.2, NM_001364275.2, NM_175767.3); c.316C>T, p.Arg106Cys (NM_001364276.2); c.-388C>T (NM_001364277.2, NM_001364279.2); c.-378C>T (NM_001364278.2); short protein forms R176C, R106C.
Identifiers: ClinVar variation 2723142 (VCV002723142.3), dbSNP rs146382783, ClinGen allele CA3271677.